The following is an entry in ClinVar:

ClinVar aggregate classification (germline): Uncertain significance. Review status: criteria provided, multiple submitters, no conflicts (2 of 4 stars). 2 submissions from 2 submitters: Uncertain significance (2). Last evaluated 2025-09-23.

Conditions:
Houge-Janssens syndrome 1. Also called: INTELLECTUAL DEVELOPMENTAL DISORDER, AUTOSOMAL DOMINANT 35; Hogue-Janssens syndrome 1; PPP2R5D-Related Neurodevelopmental Disorder; Intellectual disability-macrocephaly-hypotonia-behavioral abnormalities syndrome. Identifiers: Orphanet 457279, MedGen C5779996, MONDO:0014602, OMIM 616355.

Submissions (2):

3billion
Classification: Uncertain significance for Houge-Janssens syndrome 1. Last evaluated: 2025-09-23. Review status: criteria provided, single submitter. Criteria: ACMG Guidelines, 2015. Collection method: clinical testing. Allele origin: germline. Affected: yes.
Comment: The variant is observed at an extremely low frequency in the gnomAD v4.1.0 dataset (total allele frequency: <0.001%). Predicted Consequence/Location: Stop-gained (nonsense): predicted to result in a loss or disruption of normal protein function through nonsense-mediated decay (NMD) or protein truncation. Multiple pathogenic variants are reported downstream of the variant. The variant has been previously reported as de novo in a similarly affected individual (PMID: 32595695). The variant has been reported to be associated with PPP2R5D-related disorder (PMID: 32595695). Therefore, this variant is classified as VUS according to the recommendation of ACMG/AMP guideline.

GeneDx
Classification: Uncertain significance. Last evaluated: 2024-09-20. Review status: criteria provided, single submitter. Criteria: GeneDx Variant Classification Process June 2021. Collection method: clinical testing. Allele origin: germline. Affected: yes.
Comment: De novo variant with confirmed parentage in a patient in published literature; however, the reported clinical features are only partially consistent with the features typically observed in individuals with pathogenic variants in this gene (PMID: 32595695); Not observed at significant frequency in large population cohorts (gnomAD); Nonsense variant predicted to result in protein truncation or nonsense mediated decay in a gene for which loss-of-function is not a known mechanism of disease; This variant is associated with the following publications: (PMID: 32595695)

Literature cited by the submitters: PubMed 32595695 (cited by 3billion).

NM_006245.4(PPP2R5D):c.1492C>T (p.Arg498Ter)

Gene: PPP2R5D (protein phosphatase 2 regulatory subunit B'delta; plus strand). Cytogenetic location: 6p21.1.
Variant type: single nucleotide variant.
Coding change: c.1492C>T on transcript NM_006245.4 (MANE Select); coding-DNA position 1492, C replaced by T.
Protein change: p.Arg498Ter; replaces arginine 498 with a stop codon.
Molecular consequence: nonsense.
Genome position (GRCh38, 1-based): chr6:43,010,674, C>T. VCF-style: chr6-43010674-C-T. GRCh37 (hg19) VCF-style: chr6-42978412-C-T.
Other names: c.1039C>T, p.Arg347Ter (NM_001270476.2); c.1396C>T, p.Arg466Ter (NM_180976.3); c.1174C>T, p.Arg392Ter (NM_180977.3); short protein forms R347*, R392*, R466*, R498*.
Identifiers: ClinVar variation 3773957 (VCV003773957.2).